The following is an entry in ClinVar:

ClinVar aggregate classification (germline): Uncertain significance (1 of 4 stars; one submission).

Conditions:
Sulfite oxidase deficiency due to molybdenum cofactor deficiency type A. Also called: Molybdenum cofactor deficiency, complementation group A; Molybdenum Cofactor Deficiency A. Identifiers: Orphanet 308386, Orphanet 833, MedGen C1854988, MONDO:0009643, OMIM 252150.

Allele frequency attached by ClinVar (database versions not stated): gnomAD exomes below 0.00001; TOPMed 0.00001.
gnomAD v4.1: 2 of 1,563,846 alleles (0.00013%); highest among the groups gnomAD compares: Non-Finnish European, 0.00017%; no homozygotes.

Submission:

Labcorp Genetics (formerly Invitae), Labcorp
Classification: Uncertain significance for Sulfite oxidase deficiency due to molybdenum cofactor deficiency type A. Last evaluated: 2021-08-28. Review status: criteria provided, single submitter. Criteria: Invitae Variant Classification Sherloc (09022015). Collection method: clinical testing. Allele origin: germline.
Comment: This sequence change replaces methionine with isoleucine at codon 9 of the MOCS1 protein (p.Met9Ile). The methionine residue is moderately conserved and there is a small physicochemical difference between methionine and isoleucine. The frequency data for this variant in the population databases is considered unreliable, as metrics indicate insufficient coverage at this position in the ExAC database. This variant has not been reported in the literature in individuals affected with MOCS1-related conditions. Algorithms developed to predict the effect of missense changes on protein structure and function are either unavailable or do not agree on the potential impact of this missense change (SIFT: "Tolerated"; PolyPhen-2: "Not Available"; Align-GVGD: "Class C0"). In summary, the available evidence is currently insufficient to determine the role of this variant in disease. Therefore, it has been classified as a Variant of Uncertain Significance.

NM_001358530.2(MOCS1):c.27G>A (p.Met9Ile)

Gene: MOCS1 (molybdenum cofactor synthesis 1; minus strand). Cytogenetic location: 6p21.2.
Variant type: single nucleotide variant.
Coding change: c.27G>A on transcript NM_001358530.2 (MANE Select); coding-DNA position 27, G replaced by A.
Protein change: p.Met9Ile; replaces methionine 9 with isoleucine.
Molecular consequence: missense variant. On other transcripts: 5 prime UTR variant (2), non-coding transcript variant (1).
Genome position (GRCh38, 1-based): chr6:39,934,391, C>T on the plus strand (G>A on the coding strand, the complement: MOCS1 is on the minus strand). VCF-style: chr6-39934391-C-T. GRCh37 (hg19) VCF-style: chr6-39902130-C-T.
Other names: c.27G>A, p.Met9Ile (NM_001075098.4, NM_001358529.2); c.-108G>A (NM_001358531.2, NM_001358533.2); short protein forms M9I.
Identifiers: ClinVar variation 1058459 (VCV001058459.6), dbSNP rs1173913012, ClinGen allele CA364030742.
Genomic context (GRCh38, chr6:39,934,391, plus strand): 5'-CTGGGTCACCGGAGCCCCTGAGCTGCAGCTCCGGGCGCTGGACCTCAGAAGCCGCCGCAG[C>T]ATCCGGGACAGTGGCCGCGCCGCCATGAAGCCTGATACGAGCGGAACCGCAGCCCGCTTC-3'
Protein context (NP_001345459.1, residues 1-19): MAARPLSR[Met9Ile]LRRLLRSSAR